The following is an entry in ClinVar:

ClinVar aggregate classification (germline): Conflicting classifications of pathogenicity. Review status: criteria provided, conflicting classifications (1 of 4 stars). 12 submissions from 12 submitters: Uncertain significance (1); Benign (10). 1 of the submissions does not count toward it. Last evaluated 2026-06-01.

Conditions:
Very long chain acyl-CoA dehydrogenase deficiency (ACADVLD). Also called: VLCAD Deficiency; Very Long-Chain Acyl-Coenzyme A Dehydrogenase Deficiency. Identifiers: Orphanet 26793, MedGen C3887523, MONDO:0008723, OMIM 201475.

Allele frequency attached by ClinVar (database versions not stated): gnomAD 0.00848 and 0.00920; ESP Exome Variant Server 0.01030; gnomAD exomes 0.00204 and 0.00072; 1000 Genomes Project 0.00639; ExAC 0.00257; 1000 Genomes Project 30x 0.00703; TOPMed 0.00938.
gnomAD v4.1: 2,398 of 1,613,754 alleles (0.15%); highest among the groups gnomAD compares: African/African-American, 2.8%; 42 homozygotes.

Submissions (12):

CeGaT Center for Human Genetics Tuebingen
Classification: Benign. Last evaluated: 2026-06-01. Review status: criteria provided, single submitter. Criteria: CeGaT Center For Human Genetics Tuebingen Variant Classification Criteria Version 2. Collection method: clinical testing. Allele origin: germline. Affected: yes. Observed: 3 variant alleles.
Comment: ACADVL: BP4, BS1, BS2

Labcorp Genetics (formerly Invitae), Labcorp
Classification: Benign for Very long chain acyl-CoA dehydrogenase deficiency. Last evaluated: 2026-02-04. Review status: criteria provided, single submitter. Criteria: Invitae Variant Classification Sherloc (09022015). Collection method: clinical testing. Allele origin: germline.

ARUP Laboratories, Molecular Genetics and Genomics, ARUP Laboratories
Classification: Benign for Very long chain acyl-CoA dehydrogenase deficiency. Last evaluated: 2024-12-23. Review status: criteria provided, single submitter. Criteria: ARUP Molecular Germline Variant Investigation Process 2024. Collection method: clinical testing. Allele origin: germline.

Mayo Clinic Laboratories, Mayo Clinic
Classification: Benign. Last evaluated: 2023-03-21. Review status: criteria provided, single submitter. Criteria: ACMG Guidelines, 2015. Collection method: clinical testing. Allele origin: germline. Observed: 23 variant alleles.
Comment: BA1, BP4

Women's Health and Genetics/Laboratory Corporation of America, LabCorp
Classification: Benign. Last evaluated: 2019-11-05. Review status: criteria provided, single submitter. Criteria: LabCorp Variant Classification Summary - May 2015. Collection method: clinical testing. Allele origin: germline.
Comment: Variant summary: ACADVL c.1600G>A (p.Glu534Lys) results in a conservative amino acid change in the encoded protein sequence. Four of five in-silico tools predict a benign effect of the variant on protein function. The variant allele was found at a frequency of 0.0028 in 281394 control chromosomes, predominantly at a frequency of 0.029 within the African or African-American subpopulation in the gnomAD database, including 15 homozygotes. The observed variant frequency within African or African-American control individuals in the gnomAD database is approximately 10 fold of the estimated maximal expected allele frequency for a pathogenic variant in ACADVL causing Very Long Chain Acyl-CoA Dehydrogenase Deficiency phenotype (0.0029), strongly suggesting that the variant is a benign polymorphism found primarily in populations of African or African-American origin. Four clinical diagnostic laboratories have submitted clinical-significance assessments for this variant to ClinVar after 2014 without evidence for independent evaluation (3 classifying the variant as benign/likely benign, while 1 reporting it as a VUS). Based on the evidence outlined above, the variant was classified as benign.

Wong Mito Lab, Molecular and Human Genetics, Baylor College of Medicine
Classification: Benign for Very long chain acyl-CoA dehydrogenase deficiency. Last evaluated: 2019-11-01. Review status: criteria provided, single submitter. Criteria: ACMG Guidelines, 2015. Collection method: clinical testing. Allele origin: germline.
Comment: The NM_000018.3:c.1600G>A (NP_000009.1:p.Glu534Lys) [GRCH38: NC_000017.11:g.7224388G>A] variant in ACADVL gene is interpretated to be Benign based on ACMG guidelines (PMID: 25741868). This variant has been reported. This variant meets the following evidence codes reported in the ACMG guidelines: BS1, BS2

Mendelics
Classification: Benign for Very long chain acyl-CoA dehydrogenase deficiency. Last evaluated: 2019-05-28. Review status: criteria provided, single submitter. Criteria: Mendelics Assertion Criteria 2017. Collection method: clinical testing. Allele origin: unknown.

SIB Swiss Institute of Bioinformatics
Classification: Uncertain significance for Very long chain acyl-CoA dehydrogenase deficiency. Last evaluated: 2018-05-31. Review status: criteria provided, single submitter. Criteria: ACMG Guidelines, 2015. Collection method: curation. Allele origin: unknown.
Comment: This variant is interpreted as a Uncertain Significance - Conflicting Evidence, for Very long chain acyl-coa dehydrogenase deficiency, in Autosomal Recessive manner. The following ACMG Tag(s) were applied: BS2 => Observed in a healthy adult individual for a recessive (homozygous), dominant (heterozygous), or X-linked (hemizygous) disorder, with full penetrance expected at an early age. PM2 => Absent from controls (or at extremely low frequency if recessive) in Exome Sequencing Project, 1000 Genomes Project, or Exome Aggregation Consortium.

Illumina Laboratory Services, Illumina
Classification: Benign for Very long chain acyl-CoA dehydrogenase deficiency. Last evaluated: 2017-04-27. Review status: criteria provided, single submitter. Criteria: ICSL Variant Classification Criteria 13 December 2019. Collection method: clinical testing. Allele origin: germline.
Comment: This variant was observed as part of a predisposition screen in an ostensibly healthy population. A literature search was performed for the gene, cDNA change, and amino acid change (where applicable). Publications were found based on this search. The evidence from the literature, in combination with allele frequency data from public databases where available, was sufficient to rule this variant out of causing disease. Therefore, this variant is classified as benign.

GeneDx
Classification: Benign. Last evaluated: 2016-10-10. Review status: criteria provided, single submitter. Criteria: GeneDx Variant Classification (06012015). Collection method: clinical testing. Allele origin: germline. Affected: yes.
Comment: This variant is considered likely benign or benign based on one or more of the following criteria: it is a conservative change, it occurs at a poorly conserved position in the protein, it is predicted to be benign by multiple in silico algorithms, and/or has population frequency not consistent with disease.

Eurofins Ntd Llc (ga)
Classification: Benign. Last evaluated: 2013-02-26. Review status: criteria provided, single submitter. Criteria: EGL Classification Definitions 2015. Collection method: clinical testing. Allele origin: germline. Observed: 4 variant alleles, 4 heterozygotes.

Natera, Inc.
Classification: Benign for Very long chain acyl-CoA dehydrogenase deficiency. Last evaluated: 2020-09-16. Review status: no assertion criteria provided. Collection method: clinical testing. Allele origin: germline. Not counted in ClinVar's aggregate classification.

Literature cited by the submitters: PubMed 10077518 (cited by Wong Mito Lab, Molecular and Human Genetics, Baylor College of Medicine and Illumina Laboratory Services, Illumina); PubMed 21228398 (cited by Illumina Laboratory Services, Illumina); PubMed 26385305 (cited by Illumina Laboratory Services, Illumina).

NM_000018.4(ACADVL):c.1600G>A (p.Glu534Lys)

Gene: ACADVL (acyl-CoA dehydrogenase very long chain; plus strand). Cytogenetic location: 17p13.1.
Variant type: single nucleotide variant.
Coding change: c.1600G>A on transcript NM_000018.4 (MANE Select); coding-DNA position 1600, G replaced by A.
Protein change: p.Glu534Lys; replaces glutamic acid 534 with lysine.
Molecular consequence: missense variant.
Genome position (GRCh38, 1-based): chr17:7,224,388, G>A. VCF-style: chr17-7224388-G-A. GRCh37 (hg19) VCF-style: chr17-7127707-G-A.
Other names: p.E534K:GAG>AAG; NM_000018.3(ACADVL):c.1600G>A(p.Glu534Lys); NM_001033859.2(ACADVL):c.1534G>A(p.Glu512Lys); NM_001270447.1(ACADVL):c.1669G>A(p.Glu557Lys); NM_001270448.1(ACADVL):c.1372G>A(p.Glu458Lys); c.1534G>A, p.Glu512Lys (NM_001033859.3); c.1669G>A, p.Glu557Lys (NM_001270447.2); c.1372G>A, p.Glu458Lys (NM_001270448.2); short protein forms E534K, E458K, E512K, E557K.
Identifiers: ClinVar variation 21018 (VCV000021018.59), dbSNP rs2230180, ClinGen allele CA285289.